The following is an entry in ClinVar:

ClinVar aggregate classification (germline): Likely benign (1 of 4 stars; one submission).

Conditions:
Leigh syndrome (NULS). Also called: Leigh's necrotizing encephalopathy; Leigh's disease; Leigh Syndrome (mtDNA deletion); Leigh Disease; Subacute necrotizing encephalopathy; Necrotizing encephalopathy infantile subacute of Leigh. Identifiers: Orphanet 506, MedGen C2931891, MONDO:0009723, OMIM 256000.

Submission:

Wong Mito Lab, Molecular and Human Genetics, Baylor College of Medicine
Classification: Likely benign for Leigh syndrome. Last evaluated: 2019-10-17. Review status: criteria provided, single submitter. Criteria: Modified ACMG Guidelines (Unpublished). Collection method: clinical testing. Allele origin: germline.
Comment: The NC_012920.1:m.8679A>C (YP_003024031.1:p.Lys51Asn) variant in MTATP6 gene is interpretated to be a Likely Benign variant based on the modified ACMG guidelines (unpublished). This variant meets the following evidence codes: BP4, BP5

NC_012920.1(MT-ATP6):m.8679A>C

Gene: MT-ATP6 (mitochondrially encoded ATP synthase 6; plus strand).
Variant type: single nucleotide variant.
Genome position: chrM-8679-A-C.
Identifiers: ClinVar variation 692948 (VCV000692948.1), dbSNP rs386829045, ClinGen allele CA337097980.